The following is an entry in ClinVar:

ClinVar aggregate classification (germline): Likely benign. Review status: criteria provided, multiple submitters, no conflicts (2 of 4 stars). 3 submissions from 3 submitters: Likely benign (2). 1 of the submissions does not count toward it. Last evaluated 2025-10-23.

Conditions:
CREBBP-related disorder. Also called: CREBBP-related condition; CREBBP-related disorders.
Rubinstein-Taybi syndrome (RSTS). Identifiers: Orphanet 783, MedGen C0035934, MONDO:0019188.

Allele frequency attached by ClinVar (database versions not stated): ExAC 0.00002; gnomAD exomes 0.00002 and 0.00004; TOPMed 0.00003; gnomAD 0.00005; ESP Exome Variant Server 0.00008.
gnomAD v4.1: 73 of 1,614,078 alleles (0.0045%); highest among the groups gnomAD compares: Non-Finnish European, 0.0056%; no homozygotes.

Submissions (3):

Labcorp Genetics (formerly Invitae), Labcorp
Classification: Likely benign for Rubinstein-Taybi syndrome. Last evaluated: 2025-10-23. Review status: criteria provided, single submitter. Criteria: Invitae Variant Classification Sherloc (09022015). Collection method: clinical testing. Allele origin: germline.

GeneDx
Classification: Likely benign. Last evaluated: 2020-09-22. Review status: criteria provided, single submitter. Criteria: GeneDx Variant Classification Process June 2021. Collection method: clinical testing. Allele origin: germline. Affected: yes.

PreventionGenetics, part of Exact Sciences
Classification: Likely benign for CREBBP-related condition. Last evaluated: 2019-08-09. Review status: no assertion criteria provided. Collection method: clinical testing. Allele origin: germline. Not counted in ClinVar's aggregate classification.
Comment: This variant is classified as likely benign based on ACMG/AMP sequence variant interpretation guidelines (Richards et al. 2015 PMID: 25741868, with internal and published modifications).

NM_004380.3(CREBBP):c.7272G>T (p.Leu2424=)

Gene: CREBBP (CREB binding lysine acetyltransferase; minus strand). Cytogenetic location: 16p13.3.
Variant type: single nucleotide variant.
Coding change: c.7272G>T on transcript NM_004380.3 (MANE Select); coding-DNA position 7272, G replaced by T.
Protein change: p.Leu2424=; no amino-acid change (leucine 2424 retained).
Molecular consequence: synonymous variant.
Genome position (GRCh38, 1-based): chr16:3,727,775, C>A on the plus strand (G>T on the coding strand, the complement: CREBBP is on the minus strand). VCF-style: chr16-3727775-C-A. GRCh37 (hg19) VCF-style: chr16-3777776-C-A.
Other names: c.7158G>T, p.Leu2386= (NM_001079846.1).
Identifiers: ClinVar variation 1205034 (VCV001205034.10), dbSNP rs375448134, ClinGen allele CA7868922.